The following is an entry in ClinVar:

NM_020631.6(PLEKHG5):c.2142_2153dup (p.Glu723_Gly724insGluGluGluGlu)

Gene: PLEKHG5 (pleckstrin homology and RhoGEF domain containing G5; minus strand). Cytogenetic location: 1p36.31.
Variant type: Duplication.
Coding change: c.2142_2153dup on transcript NM_020631.6 (MANE Select); coding-DNA positions 2142 to 2153, 12 bases duplicated (AGAGGAGGAGGA).
Protein change: p.Glu723_Gly724insGluGluGluGlu.
Molecular consequence: inframe insertion. On other transcripts: inframe indel (4).
Genome position (GRCh38, 1-based): chr1:6,469,138-6,469,149, TCCTCCTCCTCT duplicated on the plus strand (AGAGGAGGAGGA on the coding strand, the reverse complement: PLEKHG5 is on the minus strand); duplicating any 12 consecutive bases within chr1:6,469,138-6,469,159 gives the same sequence; the c. name uses the placement nearest the transcript's 3' end. VCF-style (leftmost placement, unchanged base first): chr1-6469137-C-CTCCTCCTCCTCT. GRCh37 (hg19) VCF-style: chr1-6529197-C-CTCCTCCTCCTCT.
Other names: c.2142_2153dupAGAGGAGGAGGA (NM_020631.4); c.2253_2264dup, p.Glu760_Gly761insGluGluGluGlu (NM_001042663.3, NM_001265592.2); c.2132_2143dup, p.Glu723_Gly724insGluGluGluGlu (NM_001042664.2, NM_001042665.2, NM_001265594.3); c.2339_2350dup, p.Glu792_Gly793insGluGluGluGlu (NM_001265593.2); c.2142_2153dup, p.Glu723_Gly724insGluGluGluGlu (NM_198681.4).
Identifiers: ClinVar variation 517681 (VCV000517681.9), dbSNP rs1553173393, ClinGen allele CA658795383.

ClinVar aggregate classification (germline): Conflicting classifications of pathogenicity. Review status: criteria provided, conflicting classifications (1 of 4 stars). 2 submissions from 2 submitters: Uncertain significance (1); Likely benign (1). Last evaluated 2021-07-16.

Conditions:
Neuronopathy, distal hereditary motor, autosomal recessive 4. Also called: NEUROPATHY, DISTAL HEREDITARY MOTOR, AUTOSOMAL RECESSIVE 4; Autosomal recessive lower motor neuron disease with childhood onset. Identifiers: Orphanet 206580, MedGen C1970211, MONDO:0012608, OMIM 611067.
Charcot-Marie-Tooth disease recessive intermediate C. Also called: CHARCOT-MARIE-TOOTH NEUROPATHY, RECESSIVE INTERMEDIATE C. Identifiers: Orphanet 369867, MedGen C3809309, MONDO:0014154, OMIM 615376.

Submissions (2):

Labcorp Genetics (formerly Invitae), Labcorp
Classification: Uncertain significance for Neuronopathy, distal hereditary motor, autosomal recessive 4; Charcot-Marie-Tooth disease recessive intermediate C. Last evaluated: 2021-07-16. Review status: criteria provided, single submitter. Criteria: Invitae Variant Classification Sherloc (09022015). Collection method: clinical testing. Allele origin: germline.
Comment: ClinVar contains an entry for this variant (Variation ID: 517681). This variant has not been reported in the literature in individuals affected with PLEKHG5-related conditions. This variant is not present in population databases (ExAC no frequency). This variant, c.2142_2153dup, results in the insertion of 4 amino acid(s) to the PLEKHG5 protein (p.Glu720_Glu723dup), but otherwise preserves the integrity of the reading frame. Experimental studies and prediction algorithms are not available or were not evaluated, and the functional significance of this variant is currently unknown. In summary, the available evidence is currently insufficient to determine the role of this variant in disease. Therefore, it has been classified as a Variant of Uncertain Significance.

GeneDx
Classification: Likely benign. Last evaluated: 2017-01-13. Review status: criteria provided, single submitter. Criteria: GeneDx Variant Classification (06012015). Collection method: clinical testing. Allele origin: germline. Affected: yes.
Comment: This variant is considered likely benign or benign based on one or more of the following criteria: it is a conservative change, it occurs at a poorly conserved position in the protein, it is predicted to be benign by multiple in silico algorithms, and/or has population frequency not consistent with disease.